The following is an entry in ClinVar:

NM_000113.3(TOR1A):c.471C>T (p.Gly157=)

Gene: TOR1A (torsin family 1 member A; minus strand). Cytogenetic location: 9q34.11.
Variant type: single nucleotide variant.
Coding change: c.471C>T on transcript NM_000113.3 (MANE Select); coding-DNA position 471, C replaced by T.
Protein change: p.Gly157=; no amino-acid change (glycine 157 retained).
Molecular consequence: synonymous variant.
Genome position (GRCh38, 1-based): chr9:129,818,894, G>A on the plus strand (C>T on the coding strand, the complement: TOR1A is on the minus strand). VCF-style: chr9-129818894-G-A. GRCh37 (hg19) VCF-style: chr9-132581173-G-A.
Identifiers: ClinVar variation 3350159 (VCV003350159.1).

ClinVar aggregate classification (germline): Likely benign (0 of 4 stars; one submission).

Conditions:
TOR1A-related disorder. Also called: TOR1A-related disorders; TOR1A-related condition.

gnomAD v4.1: 1 of 1,613,604 alleles (0.000062%); highest among the groups gnomAD compares: East Asian, 0.0022%; no homozygotes.

Submission:

PreventionGenetics, part of Exact Sciences
Classification: Likely benign for TOR1A-related condition. Last evaluated: 2024-08-23. Review status: no assertion criteria provided. Collection method: clinical testing. Allele origin: germline.
Comment: This variant is classified as likely benign based on ACMG/AMP sequence variant interpretation guidelines (Richards et al. 2015 PMID: 25741868, with internal and published modifications).